The following is an entry in ClinVar:

ClinVar aggregate classification (germline): Likely benign. Review status: criteria provided, multiple submitters, no conflicts (2 of 4 stars). 3 submissions from 3 submitters: Likely benign (2). 1 of the submissions does not count toward it. Last evaluated 2025-04-14.

Conditions:
PARN-related disorder. Also called: PARN-related condition; PARN-related disorders.
Dyskeratosis congenita, autosomal recessive 6 (DKCB6). Identifiers: MedGen C4225356, MONDO:0014600, OMIM 616353.
Pulmonary fibrosis and/or bone marrow failure, Telomere-related, 4. Also called: PULMONARY FIBROSIS AND/OR BONE MARROW FAILURE SYNDROME, TELOMERE-RELATED, 4. Identifiers: Orphanet 2032, MedGen C4225347, MONDO:0014612, OMIM 616371.

Allele frequency attached by ClinVar (database versions not stated): gnomAD 0.00001; ExAC 0.00002; gnomAD exomes 0.00002; 1000 Genomes Project 30x 0.00016; 1000 Genomes Project 0.00020.
gnomAD v4.1: 28 of 1,611,650 alleles (0.0017%); highest among the groups gnomAD compares: South Asian, 0.0022%; no homozygotes.

Submissions (3):

Labcorp Genetics (formerly Invitae), Labcorp
Classification: Likely benign for Dyskeratosis congenita, autosomal recessive 6; Pulmonary fibrosis and/or bone marrow failure, Telomere-related, 4. Last evaluated: 2025-04-14. Review status: criteria provided, single submitter. Criteria: Invitae Variant Classification Sherloc (09022015). Collection method: clinical testing. Allele origin: germline.

Blueprint Genetics
Classification: Likely benign. Last evaluated: 2022-07-11. Review status: criteria provided, single submitter. Criteria: ACMG Guidelines, 2015. Collection method: clinical testing. Allele origin: germline.

PreventionGenetics, part of Exact Sciences
Classification: Likely benign for PARN-related condition. Last evaluated: 2019-03-11. Review status: no assertion criteria provided. Collection method: clinical testing. Allele origin: germline. Not counted in ClinVar's aggregate classification.
Comment: This variant is classified as likely benign based on ACMG/AMP sequence variant interpretation guidelines (Richards et al. 2015 PMID: 25741868, with internal and published modifications).

NM_002582.4(PARN):c.1392T>C (p.Leu464=)

Gene: PARN (poly(A)-specific ribonuclease; minus strand). Cytogenetic location: 16p13.12.
Variant type: single nucleotide variant.
Coding change: c.1392T>C on transcript NM_002582.4 (MANE Select); coding-DNA position 1392, T replaced by C.
Protein change: p.Leu464=; no amino-acid change (leucine 464 retained).
Molecular consequence: synonymous variant.
Genome position (GRCh38, 1-based): chr16:14,554,078, A>G on the plus strand (T>C on the coding strand, the complement: PARN is on the minus strand). VCF-style: chr16-14554078-A-G. GRCh37 (hg19) VCF-style: chr16-14647935-A-G.
Other names: c.1209T>C, p.Leu403= (NM_001134477.3); c.1254T>C, p.Leu418= (NM_001242992.2); c.1392T>C (NM_002582.3).
Identifiers: ClinVar variation 1595286 (VCV001595286.11), dbSNP rs550989940, ClinGen allele CA7912047.